The following is an entry in ClinVar:

ClinVar aggregate classification (germline): Uncertain significance. Review status: criteria provided, multiple submitters, no conflicts (2 of 4 stars). 2 submissions from 2 submitters: Uncertain significance (2). Last evaluated 2025-10-08.

gnomAD v4.1: 88 of 1,614,002 alleles (0.0055%); highest among the groups gnomAD compares: Non-Finnish European, 0.0069%; no homozygotes.

Submissions (2):

Labcorp Genetics (formerly Invitae), Labcorp
Classification: Uncertain significance. Last evaluated: 2025-10-08. Review status: criteria provided, single submitter. Criteria: Invitae Variant Classification Sherloc (09022015). Collection method: clinical testing. Allele origin: germline.
Comment: This sequence change replaces glutamic acid, which is acidic and polar, with glutamine, which is neutral and polar, at codon 507 of the KANK4 protein (p.Glu507Gln). The frequency data for this variant in the population databases is considered unreliable, as metrics indicate poor data quality at this position in the gnomAD database. This variant has not been reported in the literature in individuals affected with KANK4-related conditions. ClinVar contains an entry for this variant (Variation ID: 3862395). An algorithm developed to predict the effect of missense changes on protein structure and function (PolyPhen-2) suggests that this variant is likely to be tolerated. In summary, the available evidence is currently insufficient to determine the role of this variant in disease. Therefore, it has been classified as a Variant of Uncertain Significance.

Ambry Genetics
Classification: Uncertain significance. Last evaluated: 2025-01-09. Review status: criteria provided, single submitter. Criteria: Ambry Variant Classification Scheme 2023. Collection method: clinical testing. Allele origin: germline.

NM_181712.5(KANK4):c.1519G>C (p.Glu507Gln)

Gene: KANK4 (KN motif and ankyrin repeat domains 4; minus strand). Cytogenetic location: 1p31.3.
Variant type: single nucleotide variant.
Coding change: c.1519G>C on transcript NM_181712.5 (MANE Select); coding-DNA position 1519, G replaced by C.
Protein change: p.Glu507Gln; replaces glutamic acid 507 with glutamine.
Molecular consequence: missense variant. On other transcripts: intron variant (1).
Genome position (GRCh38, 1-based): chr1:62,273,585, C>G on the plus strand (G>C on the coding strand, the complement: KANK4 is on the minus strand). VCF-style: chr1-62273585-C-G. GRCh37 (hg19) VCF-style: chr1-62739257-C-G.
Other names: c.17-1996G>C (NM_001320269.2); short protein forms E507Q.
Identifiers: ClinVar variation 3862395 (VCV003862395.2).
Genomic context (GRCh38, chr1:62,273,585, plus strand): 5'-CGCTGCCCCACAGAAAGCCTCCTGCTCCCCTGGTTCCTCCCTGAGGGCCTCCTTCCTGTT[C>G]AGTGCCTGCTTCTTCAATCCTGAGTTCAGTGGAGAGGAAGCTATGTACAGAGGAGGTAAG-3'
Protein context (NP_859063.3, residues 497-517): TELRIEEAGT[Glu507Gln]QEGGPQGGTR